The following is an entry in ClinVar:

ClinVar aggregate classification (germline): Uncertain significance. Review status: criteria provided, multiple submitters, no conflicts (2 of 4 stars). 3 submissions from 3 submitters: Uncertain significance (3). Last evaluated 2026-03-06.

Conditions:
PKD1-related disorder. Also called: PKD1-related condition.
Polycystic kidney disease, adult type (PKD1). Also called: Polycystic Kidney, Autosomal Dominant; Polycystic Kidney Disease 1, Autosomal Dominant; Polycystic kidney disease 1; Polycystic kidney disease 1, severe; POLYCYSTIC KIDNEY DISEASE, ADULT, TYPE I; POLYCYSTIC KIDNEY DISEASE 1 WITH OR WITHOUT POLYCYSTIC LIVER DISEASE. Identifiers: MedGen C3149841, MONDO:0008263, OMIM 173900.

Allele frequency attached by ClinVar (database versions not stated): gnomAD exomes 0.00003 and 0.00005; ExAC 0.00004; gnomAD 0.00015 and 0.00017; TOPMed 0.00020.
gnomAD v4.1: 67 of 1,546,576 alleles (0.0043%); highest among the groups gnomAD compares: African/African-American, 0.048%; no homozygotes.

Submissions (3):

PreventionGenetics, part of Exact Sciences
Classification: Uncertain significance for PKD1-related condition. Last evaluated: 2026-03-06. Review status: criteria provided, single submitter. Criteria: ACMG Guidelines, 2015. Collection method: clinical testing. Allele origin: germline.
Comment: The PKD1 c.2896C>T variant is predicted to result in the amino acid substitution p.Arg966Trp. This variant has been reported in individuals with autosomal dominant polycystic kidney disease (ADPKD) (Laleye et al. 2012. PubMed ID: 23431742; Neumann et al. 2013. PubMed ID: 23300259). Of note, a different substitution at the same amino acid position (p.Arg966Pro) was reported to segregate with ADPKD in one Chinese family (He et al. 2018. PubMed ID: 30333007) and occurred de novo in a presumably unrelated patient (Xu et al. 2018. PubMed ID: 29529603). The c.2896C>T (p.Arg966Trp) variant is reported in 0.036% of alleles in individuals of African descent in gnomAD, which is more common than being expected for a pathogenic variant. Although we suspect that the c.2896C>T (p.Arg966Trp) variant may be pathogenic, at this time, the clinical significance of this variant is uncertain due to the absence of conclusive functional and genetic evidence.

Fulgent Genetics
Classification: Uncertain significance for Polycystic kidney disease, adult type. Last evaluated: 2021-12-23. Review status: criteria provided, single submitter. Criteria: ACMG Guidelines, 2015. Collection method: clinical testing. Allele origin: unknown.

GeneDx
Classification: Uncertain significance. Last evaluated: 2021-02-17. Review status: criteria provided, single submitter. Criteria: GeneDx Variant Classification Process June 2021. Collection method: clinical testing. Allele origin: germline. Affected: yes.
Comment: In silico analysis supports that this missense variant has a deleterious effect on protein structure/function; This variant is associated with the following publications: (PMID: 23300259, 23431742, 22090377)

NM_001009944.3(PKD1):c.2896C>T (p.Arg966Trp)

Gene: PKD1 (polycystin 1, transient receptor potential channel interacting; minus strand). Cytogenetic location: 16p13.3.
Variant type: single nucleotide variant.
Coding change: c.2896C>T on transcript NM_001009944.3 (MANE Select); coding-DNA position 2896, C replaced by T.
Protein change: p.Arg966Trp; replaces arginine 966 with tryptophan.
Molecular consequence: missense variant.
Genome position (GRCh38, 1-based): chr16:2,113,250, G>A on the plus strand (C>T on the coding strand, the complement: PKD1 is on the minus strand). VCF-style: chr16-2113250-G-A. GRCh37 (hg19) VCF-style: chr16-2163251-G-A.
Other names: c.2896C>T, p.Arg966Trp (NM_000296.4); short protein forms R966W.
Identifiers: ClinVar variation 1254840 (VCV001254840.5), dbSNP rs746771378, ClinGen allele CA7833028.